The following is an entry in ClinVar:

NM_052844.4(DYNC2I2):c.886C>G (p.Leu296Val)

Genes: DYNC2I2 (dynein 2 intermediate chain 2; minus strand), LOC126860772 (CDK7 strongly-dependent group 2 enhancer GRCh37_chr9:131396972-131398171; plus strand). Cytogenetic location: 9q34.11.
Variant type: single nucleotide variant.
Coding change: c.886C>G on transcript NM_052844.4 (MANE Select); coding-DNA position 886, C replaced by G.
Protein change: p.Leu296Val; replaces leucine 296 with valine.
Molecular consequence: missense variant.
Genome position (GRCh38, 1-based): chr9:128,635,187, G>C on the plus strand (C>G on the coding strand, the complement: DYNC2I2 is on the minus strand). VCF-style: chr9-128635187-G-C. GRCh37 (hg19) VCF-style: chr9-131397466-G-C.
Other names: c.886C>G (NM_052844.3); short protein forms L296V.
Identifiers: ClinVar variation 1058018 (VCV001058018.6), dbSNP rs754164153, ClinGen allele CA5266425.
Genomic context (GRCh38, chr9:128,635,187, plus strand): 5'-TGACCAGGGCGAAGCCCTCTGTGAGCTGCAGCTGGCCTACCCCGATGCCCTGCCAGAGTA[G>C]CACCTTCCCGTCGGTGGCCACACTCAGCACCTGGAAGCGGTGGCTGTGCCCAGGCTCGGG-3'
Protein context (NP_443076.2, residues 286-306): VLSVATDGKV[Leu296Val]LWQGIGVGQL

ClinVar aggregate classification (germline): Uncertain significance. Review status: criteria provided, multiple submitters, no conflicts (2 of 4 stars). 3 submissions from 3 submitters: Uncertain significance (3). Last evaluated 2025-03-30.

Conditions:
Inborn genetic diseases. Identifiers: MedGen C0950123, MeSH D030342.
Short-rib thoracic dysplasia 11 with or without polydactyly (SRTD11). Also called: SHORT-RIB THORACIC DYSPLASIA 11 WITHOUT POLYDACTYLY. Identifiers: Orphanet 474, Orphanet 93271, MedGen C3810200, MONDO:0014287, OMIM 615633.

Allele frequency attached by ClinVar (database versions not stated): ExAC 0.00001; gnomAD 0.00001; gnomAD exomes 0.00001 and 0.00002; TOPMed 0.00001.
gnomAD v4.1: 32 of 1,613,346 alleles (0.002%); highest among the groups gnomAD compares: Non-Finnish European, 0.0027%; no homozygotes.

Submissions (3):

Ambry Genetics
Classification: Uncertain significance for Inborn genetic diseases. Last evaluated: 2025-03-30. Review status: criteria provided, single submitter. Criteria: Ambry Variant Classification Scheme 2023. Collection method: clinical testing. Allele origin: germline.

Labcorp Genetics (formerly Invitae), Labcorp
Classification: Uncertain significance for Short-rib thoracic dysplasia 11 with or without polydactyly. Last evaluated: 2021-11-05. Review status: criteria provided, single submitter. Criteria: Invitae Variant Classification Sherloc (09022015). Collection method: clinical testing. Allele origin: germline.
Comment: This sequence change replaces leucine, which is neutral and non-polar, with valine, which is neutral and non-polar, at codon 296 of the WDR34 protein (p.Leu296Val). This variant is present in population databases (rs754164153, gnomAD 0.002%). This missense change has been observed in individual(s) with Jeune syndrome (Invitae). ClinVar contains an entry for this variant (Variation ID: 1058018). Algorithms developed to predict the effect of missense changes on protein structure and function (SIFT, PolyPhen-2, Align-GVGD) all suggest that this variant is likely to be disruptive. Algorithms developed to predict the effect of sequence changes on RNA splicing suggest that this variant may create or strengthen a splice site. In summary, the available evidence is currently insufficient to determine the role of this variant in disease. Therefore, it has been classified as a Variant of Uncertain Significance.

Breakthrough Genomics
Classification: Uncertain significance. Review status: criteria provided, single submitter. Criteria: ACMG Guidelines, 2015. Collection method: not provided. Allele origin: germline. Inheritance: Autosomal recessive inheritance. Affected: yes.